The following is an entry in ClinVar:

ClinVar aggregate classification (germline): Uncertain significance. Review status: criteria provided, multiple submitters, no conflicts (2 of 4 stars). 5 submissions from 5 submitters: Uncertain significance (5). Last evaluated 2026-02-01.

Conditions:
SAMD9-related disorder. Also called: SAMD9-related condition.
Monosomy 7 myelodysplasia and leukemia syndrome 2. Identifiers: MedGen C5436668, MONDO:0030801, OMIM 619041.
Normophosphatemic familial tumoral calcinosis. Also called: CALCINOSIS, TUMORAL, WITH NORMOPHOSPHATEMIA. Identifiers: Orphanet 306658, Orphanet 53715, MedGen C1864861, MONDO:0012502, OMIM 610455.
MIRAGE syndrome. Also called: MYELODYSPLASIA, INFECTION, RESTRICTION OF GROWTH, ADRENAL HYPOPLASIA, GENITAL PHENOTYPES, AND ENTEROPATHY. Identifiers: Orphanet 494433, MedGen C4284088, MONDO:0014888, OMIM 617053.

Allele frequency attached by ClinVar (database versions not stated): gnomAD exomes 0.00002 and 0.00004; ExAC 0.00003; gnomAD 0.00005; TOPMed 0.00007.
gnomAD v4.1: 37 of 1,594,610 alleles (0.0023%); highest among the groups gnomAD compares: Middle Eastern, 0.034%; no homozygotes.

Submissions (5):

CeGaT Center for Human Genetics Tuebingen
Classification: Uncertain significance. Last evaluated: 2026-02-01. Review status: criteria provided, single submitter. Criteria: CeGaT Center For Human Genetics Tuebingen Variant Classification Criteria Version 2. Collection method: clinical testing. Allele origin: germline. Affected: yes. Observed: 1 variant allele.
Comment: SAMD9: PM2, BP4

GeneDx
Classification: Uncertain significance. Last evaluated: 2025-05-19. Review status: criteria provided, single submitter. Criteria: GeneDx Variant Classification Process June 2021. Collection method: clinical testing. Allele origin: germline. Affected: yes.
Comment: In silico analysis supports that this missense variant does not alter protein structure/function; Has not been previously published as pathogenic or benign to our knowledge

Labcorp Genetics (formerly Invitae), Labcorp
Classification: Uncertain significance. Last evaluated: 2024-11-18. Review status: criteria provided, single submitter. Criteria: Invitae Variant Classification Sherloc (09022015). Collection method: clinical testing. Allele origin: germline.
Comment: This sequence change replaces isoleucine, which is neutral and non-polar, with threonine, which is neutral and polar, at codon 28 of the SAMD9 protein (p.Ile28Thr). This variant is present in population databases (rs776674692, gnomAD 0.008%). This variant has not been reported in the literature in individuals affected with SAMD9-related conditions. ClinVar contains an entry for this variant (Variation ID: 1497031). Invitae Evidence Modeling of protein sequence and biophysical properties (such as structural, functional, and spatial information, amino acid conservation, physicochemical variation, residue mobility, and thermodynamic stability) indicates that this missense variant is not expected to disrupt SAMD9 protein function with a negative predictive value of 95%. In summary, the available evidence is currently insufficient to determine the role of this variant in disease. Therefore, it has been classified as a Variant of Uncertain Significance.

Fulgent Genetics
Classification: Uncertain significance for Normophosphatemic familial tumoral calcinosis; MIRAGE syndrome; Monosomy 7 myelodysplasia and leukemia syndrome 2. Last evaluated: 2024-06-16. Review status: criteria provided, single submitter. Criteria: ACMG Guidelines, 2015. Collection method: clinical testing. Allele origin: germline.

PreventionGenetics, part of Exact Sciences
Classification: Uncertain significance for SAMD9-related condition. Last evaluated: 2022-11-04. Review status: criteria provided, single submitter. Criteria: ACMG Guidelines, 2015. Collection method: clinical testing. Allele origin: germline.
Comment: The SAMD9 c.83T>C variant is predicted to result in the amino acid substitution p.Ile28Thr. To our knowledge, this variant has not been reported in the literature. This variant is reported in 0.0081% of alleles in individuals of African descent in gnomAD and is interpreted as uncertain significance in ClinVar. At this time, the clinical significance of this variant is uncertain due to the absence of conclusive functional and genetic evidence.

NM_017654.4(SAMD9):c.83T>C (p.Ile28Thr)

Gene: SAMD9 (sterile alpha motif domain containing 9; minus strand). Cytogenetic location: 7q21.2.
Variant type: single nucleotide variant.
Coding change: c.83T>C on transcript NM_017654.4 (MANE Select); coding-DNA position 83, T replaced by C.
Protein change: p.Ile28Thr; replaces isoleucine 28 with threonine.
Molecular consequence: missense variant.
Genome position (GRCh38, 1-based): chr7:93,106,015, A>G on the plus strand (T>C on the coding strand, the complement: SAMD9 is on the minus strand). VCF-style: chr7-93106015-A-G. GRCh37 (hg19) VCF-style: chr7-92735328-A-G.
Other names: c.83T>C, p.Ile28Thr (NM_001193307.2); c.83T>C (NM_017654.3); short protein forms I28T.
Identifiers: ClinVar variation 1497031 (VCV001497031.12), dbSNP rs776674692, ClinGen allele CA4343222.